The following is an entry in ClinVar:

ClinVar aggregate classification (germline): Uncertain significance (1 of 4 stars; one submission).

Conditions:
Severe early-onset pulmonary alveolar proteinosis due to MARS deficiency. Also called: PULMONARY ALVEOLAR PROTEINOSIS, REUNION ISLAND; Interstitial lung and liver disease. Identifiers: Orphanet 440427, MedGen C4225400, MONDO:0014206, OMIM 615486.
Charcot-Marie-Tooth disease axonal type 2U. Also called: CHARCOT-MARIE-TOOTH NEUROPATHY, TYPE 2U; CHARCOT-MARIE-TOOTH DISEASE, AXONAL, AUTOSOMAL DOMINANT, TYPE 2U. Identifiers: Orphanet 397735, MedGen C4084821, MONDO:0014566, OMIM 616280.

Submission:

Labcorp Genetics (formerly Invitae), Labcorp
Classification: Uncertain significance for Charcot-Marie-Tooth disease axonal type 2U; Severe early-onset pulmonary alveolar proteinosis due to MARS deficiency. Last evaluated: 2022-09-20. Review status: criteria provided, single submitter. Criteria: Invitae Variant Classification Sherloc (09022015). Collection method: clinical testing. Allele origin: germline.
Comment: In summary, the available evidence is currently insufficient to determine the role of this variant in disease. Therefore, it has been classified as a Variant of Uncertain Significance. Retrotransposon insertions including LINE1 (L1), Alu, and SVA (SINE-VNTR-Alu) have been reported to disrupt protein function (PMID: 19763152, 20307669, 22406018). However the effect of this particular variant is unknown. Algorithms developed to predict the effect of sequence changes on RNA splicing suggest that this variant may create or strengthen a splice site. This sequence change inserts a large fragment of DNA, likely a transposable element, in exon 15 of the MARS gene (c.1932_1933ins?), causing a frameshift at codon 645 (p.Glu645fs). The exact size and sequence of the insertion cannot be determined by the current assay. However, the insertion is expected to result in an absent or disrupted protein product. This variant is not present in population databases (gnomAD no frequency). A similar variant has been observed in individual(s) with clinical features of Charcot-Marie-Tooth disease (Invitae).

Literature cited by the submitters: PubMed 19763152; PubMed 20307669; PubMed 22406018.

NM_004990.4(MARS1):c.1932_1933insTTTTTTTTTTTTTTTTTTTTNNNNNNNNNNTGACCTCGTGATCCGCCCGCCTCGGCCTCCCAAAGTGCTGGGATTACAGGCGTGAGCCACCGCGCCCGGCCAAGAATAATTCT (p.Glu645delinsPhePhePhePhePhePheXaaXaaXaaXaaTer)

Gene: MARS1 (methionyl-tRNA synthetase 1; plus strand). Cytogenetic location: 12q13.3.
Variant type: Insertion.
Coding change: c.1932_1933insTTTTTTTTTTTTTTTTTTTTNNNNNNNNNNTGACCTCGTGATCCGCCCGCCTCGGCCTCCCAAAGTGCTGGGATTACAGGCGTGAGCCACCGCGCCCGGCCAAGAATAATTCT on transcript NM_004990.4 (MANE Select); coding-DNA positions 1932 to 1933, TTTTTTTTTTTTTTTTTTTTNNNNNNNNNNTGACCTCGTGATCCGCCCGCCTCGGCCTCCCAAAGTGCTGGGATTACAGGCGTGAGCCACCGCGCCCGGCCAAGAATAATTCT inserted.
Protein change: p.Glu645delinsPhePhePhePhePhePheXaaXaaXaaXaaTer.
Molecular consequence: nonsense.
Genome position: GRCh38: chr12:57,512,929-57,512,930. GRCh37 (hg19): chr12:57,906,712-57,906,713.
Identifiers: ClinVar variation 2031467 (VCV002031467.4), dbSNP rs2540315242.